The following is an entry in ClinVar:

ClinVar aggregate classification (germline): Likely benign. Review status: criteria provided, multiple submitters, no conflicts (2 of 4 stars). 3 submissions from 3 submitters: Likely benign (3). Last evaluated 2026-09-01.

Allele frequency attached by ClinVar (database versions not stated): ESP Exome Variant Server 0.00015; gnomAD 0.00010; TOPMed 0.00012.

Submissions (3):

CeGaT Center for Human Genetics Tuebingen
Classification: Likely benign. Last evaluated: 2026-09-01. Review status: criteria provided, single submitter. Criteria: CeGaT Center For Human Genetics Tuebingen Variant Classification Criteria Version 2. Collection method: clinical testing. Allele origin: germline. Affected: yes. Observed: 3 variant alleles.
Comment: UQCRQ: BP4, BP7

Labcorp Genetics (formerly Invitae), Labcorp
Classification: Likely benign. Last evaluated: 2023-12-11. Review status: criteria provided, single submitter. Criteria: Invitae Variant Classification Sherloc (09022015). Collection method: clinical testing. Allele origin: germline.

GeneDx
Classification: Likely benign. Last evaluated: 2019-08-13. Review status: criteria provided, single submitter. Criteria: GeneDx Variant Classification Process June 2021. Collection method: clinical testing. Allele origin: germline. Affected: yes.

NM_014402.5(UQCRQ):c.81T>C (p.Tyr27=)

Genes: UQCRQ (ubiquinol-cytochrome c reductase complex III subunit VII; plus strand), LOC126807509 (BRD4-independent group 4 enhancer GRCh37_chr5:132201613-132202812; plus strand). Cytogenetic location: 5q31.1.
Variant type: single nucleotide variant.
Coding change: c.81T>C on transcript NM_014402.5 (MANE Select); coding-DNA position 81, T replaced by C.
Protein change: p.Tyr27=; no amino-acid change (tyrosine 27 retained).
Molecular consequence: synonymous variant.
Genome position (GRCh38, 1-based): chr5:132,866,962, T>C. VCF-style: chr5-132866962-T-C. GRCh37 (hg19) VCF-style: chr5-132202654-T-C.
Identifiers: ClinVar variation 737693 (VCV000737693.33), dbSNP rs368396020, ClinGen allele CA3408439.
Genomic context (GRCh38, chr5:132,866,962, plus strand): 5'-TCTGACGCGGATGCGGCATGTGATCAGCTACAGCTTGTCACCGTTCGAGCAGCGCGCCTA[T>C]CCGCACGTCTTCACTAAAGGAATCCCCAATGTTCTGCGCCGCATTCGGGAGTCTTTCTTT-3'
Protein context (NP_055217.2, residues 17-37): YSLSPFEQRA[Tyr27=]PHVFTKGIPN